The following is an entry in ClinVar:

ClinVar aggregate classification (germline): Uncertain significance. Review status: criteria provided, multiple submitters, no conflicts (2 of 4 stars). 2 submissions from 2 submitters: Uncertain significance (2). Last evaluated 2024-02-17.

Allele frequency attached by ClinVar (database versions not stated): gnomAD exomes below 0.00001.
gnomAD v4.1: 2 of 1,613,962 alleles (0.00012%); highest among the groups gnomAD compares: Non-Finnish European, 0.00017%; no homozygotes.

Submissions (2):

Labcorp Genetics (formerly Invitae), Labcorp
Classification: Uncertain significance. Last evaluated: 2024-02-17. Review status: criteria provided, single submitter. Criteria: Invitae Variant Classification Sherloc (09022015). Collection method: clinical testing. Allele origin: germline.
Comment: This sequence change replaces glycine, which is neutral and non-polar, with serine, which is neutral and polar, at codon 20 of the BUB1 protein (p.Gly20Ser). This variant is not present in population databases (gnomAD no frequency). This variant has not been reported in the literature in individuals affected with BUB1-related conditions. ClinVar contains an entry for this variant (Variation ID: 2451237). Experimental studies and prediction algorithms are not available or were not evaluated, and the functional significance of this variant is currently unknown. In summary, the available evidence is currently insufficient to determine the role of this variant in disease. Therefore, it has been classified as a Variant of Uncertain Significance.

Ambry Genetics
Classification: Uncertain significance. Last evaluated: 2022-12-03. Review status: criteria provided, single submitter. Criteria: Ambry Variant Classification Scheme 2023. Collection method: clinical testing. Allele origin: germline.
Comment: The p.G20S variant (also known as c.58G>A), located in coding exon 2 of the BUB1 gene, results from a G to A substitution at nucleotide position 58. The glycine at codon 20 is replaced by serine, an amino acid with similar properties. This amino acid position is conserved. In addition, the in silico prediction for this alteration is inconclusive. Since supporting evidence is limited at this time, the clinical significance of this alteration remains unclear.

NM_004336.5(BUB1):c.58G>A (p.Gly20Ser)

Gene: BUB1 (BUB1 mitotic checkpoint serine/threonine kinase; minus strand). Cytogenetic location: 2q13.
Variant type: single nucleotide variant.
Coding change: c.58G>A on transcript NM_004336.5 (MANE Select); coding-DNA position 58, G replaced by A.
Protein change: p.Gly20Ser; replaces glycine 20 with serine.
Molecular consequence: missense variant. On other transcripts: intron variant (1).
Genome position (GRCh38, 1-based): chr2:110,674,334, C>T on the plus strand (G>A on the coding strand, the complement: BUB1 is on the minus strand). VCF-style: chr2-110674334-C-T. GRCh37 (hg19) VCF-style: chr2-111431911-C-T.
Other names: c.58G>A, p.Gly20Ser (NM_001278617.2); c.27-110G>A (NM_001278616.2); short protein forms G20S.
Identifiers: ClinVar variation 2451237 (VCV002451237.4), dbSNP rs1690513807, ClinGen allele CA348221789.
Genomic context (GRCh38, chr2:110,674,334, plus strand): 5'-GTTTAAGGGAAATAAAATAACTAAATGCTGACCTTTCCCATTCACCAAGAGGGTCATTGC[C>T]CTTGTAGCTCTGCATGTGGGCTTCAAGCATCCTAGAAGAGAGAAAGGTATGCACATGGGA-3'
Protein context (NP_004327.1, residues 10-30): MLEAHMQSYK[Gly20Ser]NDPLGEWERY